The following is an entry in ClinVar:

NM_004006.3(DMD):c.10477C>T (p.Gln3493Ter)

Gene: DMD (dystrophin; minus strand). Cytogenetic location: Xp21.2.
Variant type: single nucleotide variant.
Coding change: c.10477C>T on transcript NM_004006.3 (MANE Select); coding-DNA position 10477, C replaced by T.
Protein change: p.Gln3493Ter; replaces glutamine 3493 with a stop codon.
Molecular consequence: nonsense. On other transcripts: intron variant (2).
Genome position (GRCh38, 1-based): chrX:31,169,519, G>A on the plus strand (C>T on the coding strand, the complement: DMD is on the minus strand). VCF-style: chrX-31169519-G-A. GRCh37 (hg19) VCF-style: chrX-31187636-G-A.
Other names: p.Gln3493*; c.10453C>T, p.Gln3485Ter (NM_000109.4); c.10465C>T, p.Gln3489Ter (NM_004009.3); c.10108C>T, p.Gln3370Ter (NM_004010.3); c.6454C>T, p.Gln2152Ter (NM_004011.4); c.6445C>T, p.Gln2149Ter (NM_004012.4); c.3097C>T, p.Gln1033Ter (NM_004013.3, NM_004021.3); c.2290C>T, p.Gln764Ter (NM_004014.3); and 4 more; short protein forms Q3493*, Q764*, Q1033*, Q3489*, Q412*, Q425*, Q3370*, Q3485*.
Identifiers: ClinVar variation 282841 (VCV000282841.18), dbSNP rs886042495, ClinGen allele CA10604314.

ClinVar aggregate classification (germline): Pathogenic. Review status: criteria provided, multiple submitters, no conflicts (2 of 4 stars). 6 submissions from 6 submitters: Pathogenic (6). Last evaluated 2025-09-20.

Conditions:
DMD-related disorder. Also called: DMD-related condition.
Duchenne muscular dystrophy (DMD). Also called: Duchenne Muscular Dystrophy (DMD); MUSCULAR DYSTROPHY, PSEUDOHYPERTROPHIC PROGRESSIVE, DUCHENNE TYPE. Identifiers: Orphanet 98896, MedGen C0013264, MONDO:0010679, OMIM 310200.

Submissions (6):

PreventionGenetics, part of Exact Sciences
Classification: Pathogenic for DMD-related condition. Last evaluated: 2025-09-20. Review status: criteria provided, single submitter. Criteria: ACMG Guidelines, 2015. Collection method: clinical testing. Allele origin: germline.
Comment: The DMD c.10477C>T variant is predicted to result in premature protein termination (p.Gln3493*). This variant was reported in an individual with Becker muscular dystrophy (Barbieri et al. 1996. PubMed ID: 8840119). This variant has not been reported in a large population database (gnomAD), indicating this variant is rare. Nonsense variants in DMD are expected to be pathogenic. This variant is interpreted as pathogenic.

Labcorp Genetics (formerly Invitae), Labcorp
Classification: Pathogenic for Duchenne muscular dystrophy. Last evaluated: 2025-09-10. Review status: criteria provided, single submitter. Criteria: Invitae Variant Classification Sherloc (09022015). Collection method: clinical testing. Allele origin: germline.
Comment: This sequence change creates a premature translational stop signal (p.Gln3493*) in the DMD gene. It is expected to result in an absent or disrupted protein product. Loss-of-function variants in DMD are known to be pathogenic (PMID: 16770791, 25007885). This variant is not present in population databases (gnomAD no frequency). This premature translational stop signal has been observed in individual(s) with DMD-related dystrophinopathy (PMID: 8840119). ClinVar contains an entry for this variant (Variation ID: 282841). Algorithms developed to predict the effect of sequence changes on RNA splicing suggest that this variant may disrupt the consensus splice site. For these reasons, this variant has been classified as Pathogenic.

GeneDx
Classification: Pathogenic. Last evaluated: 2025-08-07. Review status: criteria provided, single submitter. Criteria: GeneDx Variant Classification Process June 2021. Collection method: clinical testing. Allele origin: germline. Affected: yes.
Comment: Not observed at significant frequency in large population cohorts (gnomAD); Nonsense variant predicted to result in protein truncation or nonsense mediated decay in a gene for which loss of function is a known mechanism of disease; This variant is associated with the following publications: (PMID: 25525159, 8840119, 19937601, 35501714)

Mayo Clinic Laboratories, Mayo Clinic
Classification: Pathogenic. Last evaluated: 2024-04-22. Review status: criteria provided, single submitter. Criteria: ACMG Guidelines, 2015. Collection method: clinical testing. Allele origin: germline. Observed: 1 variant allele.
Comment: PM2_moderate, PS4_moderate, PVS1

Athena Diagnostics
Classification: Pathogenic. Last evaluated: 2018-06-14. Review status: criteria provided, single submitter. Criteria: Athena Diagnostics Criteria. Collection method: clinical testing. Allele origin: germline.

Eurofins Ntd Llc (ga)
Classification: Pathogenic. Last evaluated: 2017-07-12. Review status: criteria provided, single submitter. Criteria: EGL Classification Definitions 2015. Collection method: clinical testing. Allele origin: germline. Observed: 3 variant alleles, 3 hemizygotes.

Literature cited by the submitters: PubMed 16770791 (cited by Labcorp Genetics (formerly Invitae), Labcorp and Mayo Clinic Laboratories, Mayo Clinic); PubMed 25007885 (cited by Labcorp Genetics (formerly Invitae), Labcorp); PubMed 8840119 (cited by 3 submitters); PubMed 19937601 (cited by Mayo Clinic Laboratories, Mayo Clinic); PubMed 35501714 (cited by Mayo Clinic Laboratories, Mayo Clinic); PubMed 25525159 (cited by Athena Diagnostics).